The following is an entry in ClinVar:

ClinVar aggregate classification (germline): Uncertain significance. Review status: criteria provided, multiple submitters, no conflicts (2 of 4 stars). 2 submissions from 2 submitters: Uncertain significance (2). Last evaluated 2024-02-12.

Conditions:
Inborn genetic diseases. Identifiers: MedGen C0950123, MeSH D030342.
Megaconial type congenital muscular dystrophy (MDCMC). Also called: CHKB-Related Muscular Dystrophy; CHKB-Related Muscle Diseases; MUSCULAR DYSTROPHY, CONGENITAL, WITH MITOCHONDRIAL STRUCTURAL ABNORMALITIES. Identifiers: Orphanet 280671, MedGen C1865233, MONDO:0011246, OMIM 602541.

Allele frequency attached by ClinVar (database versions not stated): ExAC 0.00002; gnomAD 0.00002; TOPMed 0.00002; gnomAD exomes 0.00005.
gnomAD v4.1: 67 of 1,594,652 alleles (0.0042%); highest among the groups gnomAD compares: Non-Finnish European, 0.0056%; no homozygotes.

Submissions (2):

Ambry Genetics
Classification: Uncertain significance for Inborn genetic diseases. Last evaluated: 2024-02-12. Review status: criteria provided, single submitter. Criteria: Ambry Variant Classification Scheme 2023. Collection method: clinical testing. Allele origin: germline.

Labcorp Genetics (formerly Invitae), Labcorp
Classification: Uncertain significance for Megaconial type congenital muscular dystrophy. Last evaluated: 2021-09-17. Review status: criteria provided, single submitter. Criteria: Invitae Variant Classification Sherloc (09022015). Collection method: clinical testing. Allele origin: germline.
Comment: This sequence change replaces glutamic acid with aspartic acid at codon 97 of the CHKB protein (p.Glu97Asp). The glutamic acid residue is moderately conserved and there is a small physicochemical difference between glutamic acid and aspartic acid. This variant is present in population databases (rs757428570, ExAC 0.004%). This variant has not been reported in the literature in individuals affected with CHKB-related conditions. Algorithms developed to predict the effect of missense changes on protein structure and function are either unavailable or do not agree on the potential impact of this missense change (SIFT: "Tolerated"; PolyPhen-2: "Possibly Damaging"; Align-GVGD: "Class C0"). In summary, the available evidence is currently insufficient to determine the role of this variant in disease. Therefore, it has been classified as a Variant of Uncertain Significance.

NM_005198.5(CHKB):c.291G>T (p.Glu97Asp)

Genes: CHKB (choline kinase beta; minus strand), CHKB-CPT1B (CHKB-CPT1B readthrough (NMD candidate); minus strand). Cytogenetic location: 22q13.33.
Variant type: single nucleotide variant.
Coding change: c.291G>T on transcript NM_005198.5 (MANE Select); coding-DNA position 291, G replaced by T.
Protein change: p.Glu97Asp; replaces glutamic acid 97 with aspartic acid.
Molecular consequence: missense variant. On other transcripts: non-coding transcript variant (1).
Genome position (GRCh38, 1-based): chr22:50,582,291, C>A on the plus strand (G>T on the coding strand, the complement: CHKB is on the minus strand). VCF-style: chr22-50582291-C-A. GRCh37 (hg19) VCF-style: chr22-51020720-C-A.
Other names: short protein forms E97D.
Identifiers: ClinVar variation 2045639 (VCV002045639.2), dbSNP rs757428570, ClinGen allele CA10323832.
Genomic context (GRCh38, chr22:50,582,291, plus strand): 5'-CGCTCACACCCCCCTCACCTGCAAGATGGCTCCGTACAGCCGCAGAAGCACCTCCCGGGG[C>A]TCCTCGCCAACGCTGGGCAGGTGGTCCGGGAGCGAGCAGCGGAAGAGCAGGTTGCTGAGG-3'
Protein context (NP_005189.2, residues 87-107): LPDHLPSVGE[Glu97Asp]PREVLLRLYG